The following is an entry in ClinVar:

ClinVar aggregate classification (germline): Pathogenic (1 of 4 stars; one submission).

Conditions:
GNPTAB-mucolipidosis. Also called: UDP-N-acetylglucosamine-1-phosphotransferase subunit alpha/beta deficiency. Identifiers: MedGen CN322573, MONDO:0100122.

Submission:

Myriad Genetics, Inc.
Classification: Pathogenic for GNPTAB-mucolipidosis. Last evaluated: 2023-08-20. Review status: criteria provided, single submitter. Criteria: Myriad Autosomal Dominant, Autosomal Recessive and X-Linked Classification Criteria (2023). Collection method: clinical testing. Allele origin: unknown.
Comment: NM_024312.4(GNPTAB):c.3405_3406ins5(Q1136Sfs*7) is expected to be pathogenic in the context of GNPTAB-related disorders. This variant is predicted to lead to an abnormal or absent protein product due to the creation of a premature termination codon in GNPTAB, a gene where loss-of-function variants are known to be pathogenic. Please note: this variant was assessed in the context of healthy population screening.

NM_024312.5(GNPTAB):c.3405_3406insAGCAG (p.Gln1136fs)

Gene: GNPTAB (N-acetylglucosamine-1-phosphate transferase subunits alpha and beta; minus strand). Cytogenetic location: 12q23.2.
Variant type: Insertion.
Coding change: c.3405_3406insAGCAG on transcript NM_024312.5 (MANE Select); coding-DNA positions 3405 to 3406, AGCAG inserted.
Protein change: p.Gln1136fs; shifts the reading frame from glutamine 1136.
Molecular consequence: frameshift variant.
Genome position: GRCh38 VCF-style: chr12-101757240-G-GCTGCT. GRCh37 (hg19) VCF-style: chr12-102151018-G-GCTGCT.
Other names: short protein forms Q1136fs.
Identifiers: ClinVar variation 5011401 (VCV005011401.1).